The following is an entry in ClinVar:

NM_000350.3(ABCA4):c.664del (p.Ala222fs)

Gene: ABCA4 (ATP binding cassette subfamily A member 4; minus strand). Cytogenetic location: 1p22.1.
Variant type: Deletion.
Coding change: c.664del on transcript NM_000350.3 (MANE Select); coding-DNA position 664, one base deleted (G; older notation c.664delG).
Protein change: p.Ala222fs; shifts the reading frame from alanine 222.
Molecular consequence: frameshift variant.
Genome position (GRCh38, 1-based): chr1:94,098,898, C deleted on the plus strand (G on the coding strand, the reverse complement: ABCA4 is on the minus strand); the first of 4 consecutive C bases (chr1:94,098,898-94,098,901); deleting any one gives the same sequence. VCF-style (leftmost placement, unchanged base first): chr1-94098897-GC-G. GRCh37 (hg19) VCF-style: chr1-94564453-GC-G.
Other names: c.661delG (NM_000350.2); c.661delG, p.Ala222Glnfs (NM_001425324.1); short protein forms A222fs.
Identifiers: ClinVar variation 265009 (VCV000265009.9), dbSNP rs61748539, ClinGen allele CA227424.

ClinVar aggregate classification (germline): Pathogenic. Review status: criteria provided, multiple submitters, no conflicts (2 of 4 stars). 4 submissions from 4 submitters: Pathogenic (3). 1 of the submissions does not count toward it. Last evaluated 2022-06-27.

Conditions:
ABCA4-related disorder. Also called: ABCA4-related condition; ABCA4-related disorders. Identifiers: MedGen CN239167.

Submissions (4):

Labcorp Genetics (formerly Invitae), Labcorp
Classification: Pathogenic. Last evaluated: 2022-06-27. Review status: criteria provided, single submitter. Criteria: Invitae Variant Classification Sherloc (09022015). Collection method: clinical testing. Allele origin: germline.
Comment: For these reasons, this variant has been classified as Pathogenic. ClinVar contains an entry for this variant (Variation ID: 265009). This variant is also known as c.661delG. This premature translational stop signal has been observed in individual(s) with clinical features of Stargardt disease (PMID: 11328725). This variant is not present in population databases (gnomAD no frequency). This sequence change creates a premature translational stop signal (p.Ala222Glnfs*19) in the ABCA4 gene. It is expected to result in an absent or disrupted protein product. Loss-of-function variants in ABCA4 are known to be pathogenic (PMID: 10958761, 24938718, 25312043, 26780318).

Blueprint Genetics
Classification: Pathogenic for ABCA4-related disorders. Last evaluated: 2021-12-27. Review status: criteria provided, single submitter. Criteria: ACMG Guidelines, 2015. Collection method: clinical testing. Allele origin: germline. Affected: yes. Observed: 1 variant allele.

GeneDx
Classification: Pathogenic. Last evaluated: 2015-06-24. Review status: criteria provided, single submitter. Criteria: GeneDx Variant Classification (06012015). Collection method: clinical testing. Allele origin: germline. Affected: yes.
Comment: The M280L variant has not been published as a pathogenic variant, nor has it been reported as a benign variant to our knowledge. The NHLBI Exome Sequencing Project reports M280L was observed in 20/4406 (0.45%) alleles from individuals of African American background, and the 1000 Genomes Project Consortium reports M280L was observed in 10/1322 (0.76%) alleles from individuals of African background indicating it may be a rare variant in this population. The M280L variant is a conservative amino acid substitution, which is not likely to impact secondary protein structure as these residues share similar properties. This substitution occurs at a position that is not conserved. In silico analysis predicts this variant likely does not alter the protein structure/function. A missense variant in the same residue (M280T) has been reported in the Human Gene Mutation Database in association with Stargardt disease (Stenson et al., 2014). Therefore, based on the currently available information, it is unclear whether this variant is a pathogenic variant or a rare benign variant.

Retina International
No classification provided. Review status: no classification provided. Collection method: not provided. Allele origin: not provided. Not counted in ClinVar's aggregate classification.

Literature cited by the submitters: PubMed 11328725 (cited by Labcorp Genetics (formerly Invitae), Labcorp); PubMed 10958761 (cited by Labcorp Genetics (formerly Invitae), Labcorp); PubMed 24938718 (cited by Labcorp Genetics (formerly Invitae), Labcorp); PubMed 25312043 (cited by Labcorp Genetics (formerly Invitae), Labcorp); PubMed 26780318 (cited by Labcorp Genetics (formerly Invitae), Labcorp).